The following is an entry in ClinVar:

NM_024577.4(SH3TC2):c.1316A>G (p.Tyr439Cys)

Gene: SH3TC2 (SH3 domain and tetratricopeptide repeats 2; minus strand). Cytogenetic location: 5q32.
Variant type: single nucleotide variant.
Coding change: c.1316A>G on transcript NM_024577.4 (MANE Select); coding-DNA position 1316, A replaced by G.
Protein change: p.Tyr439Cys; replaces tyrosine 439 with cysteine.
Molecular consequence: missense variant.
Genome position (GRCh38, 1-based): chr5:149,028,416, T>C on the plus strand (A>G on the coding strand, the complement: SH3TC2 is on the minus strand). VCF-style: chr5-149028416-T-C. GRCh37 (hg19) VCF-style: chr5-148407979-T-C.
Other names: short protein forms Y439C.
Identifiers: ClinVar variation 3572730 (VCV003572730.1).
Genomic context (GRCh38, chr5:149,028,416, plus strand): 5'-CCAGTGCTTAGGTCCATGAGCAGTTCCGGGTCATCAAGGTCATCAGGCTCCGGCAGGCGA[T>C]AGCTGTCTGAGGTGGCCGAGAGGAGCTCCTCCTCCAGGCTGGAGTCCTCAGAGCTGCTGG-3'
Protein context (NP_078853.2, residues 429-449): EELLSATSDS[Tyr439Cys]RLPEPDDLDD

ClinVar aggregate classification (germline): Uncertain significance (1 of 4 stars; one submission).

gnomAD v4.1: 9 of 1,613,952 alleles (0.00056%); highest among the groups gnomAD compares: East Asian, 0.0022%; no homozygotes.

Submission:

GeneDx
Classification: Uncertain significance. Last evaluated: 2024-07-09. Review status: criteria provided, single submitter. Criteria: GeneDx Variant Classification Process June 2021. Collection method: clinical testing. Allele origin: germline. Affected: yes.
Comment: Not observed at significant frequency in large population cohorts (gnomAD); In silico analysis indicates that this missense variant does not alter protein structure/function; Has not been previously published as pathogenic or benign to our knowledge